The following is an entry in ClinVar:

NM_001040616.3(LINS1):c.-5T>A

Gene: LINS1 (lines homolog 1; minus strand). Cytogenetic location: 15q26.3.
Variant type: single nucleotide variant.
Coding change: c.-5T>A on transcript NM_001040616.3 (MANE Select); 5 bases upstream of the start codon, T replaced by A.
Molecular consequence: 5 prime UTR variant. On other transcripts: non-coding transcript variant (3).
Genome position (GRCh38, 1-based): chr15:100,580,847, A>T on the plus strand (T>A on the coding strand, the complement: LINS1 is on the minus strand). VCF-style: chr15-100580847-A-T. GRCh37 (hg19) VCF-style: chr15-101121052-A-T.
Other names: c.-914T>A (NM_001352507.2); c.-5T>A (NM_001352508.2).
Identifiers: ClinVar variation 1800405 (VCV001800405.2), dbSNP rs2505470190, ClinGen allele CA2580089775.

ClinVar aggregate classification (germline): Uncertain significance (1 of 4 stars; one submission).

Conditions:
Inborn genetic diseases. Identifiers: MedGen C0950123, MeSH D030342.

Submission:

Ambry Genetics
Classification: Uncertain significance for Inborn genetic diseases. Last evaluated: 2019-09-23. Review status: criteria provided, single submitter. Criteria: Ambry Variant Classification Scheme 2023. Collection method: clinical testing. Allele origin: germline.
Comment: The c.-5T>A variant is located in the 5' untranslated region (5&rsquo; UTR) of the LINS gene. This variant results from a T to A substitution 5 bases upstream from the first translated codon. This nucleotide position is not well conserved in available vertebrate species. Since supporting evidence is limited at this time, the clinical significance of this alteration remains unclear.